The following is an entry in ClinVar:

NM_006421.5(ARFGEF1):c.5006G>A (p.Gly1669Glu)

Gene: ARFGEF1 (ARF guanine nucleotide exchange factor 1; minus strand). Cytogenetic location: 8q13.2.
Variant type: single nucleotide variant.
Coding change: c.5006G>A on transcript NM_006421.5 (MANE Select); coding-DNA position 5006, G replaced by A.
Protein change: p.Gly1669Glu; replaces glycine 1669 with glutamic acid.
Molecular consequence: missense variant. On other transcripts: non-coding transcript variant (1).
Genome position (GRCh38, 1-based): chr8:67,203,205, C>T on the plus strand (G>A on the coding strand, the complement: ARFGEF1 is on the minus strand). VCF-style: chr8-67203205-C-T. GRCh37 (hg19) VCF-style: chr8-68115440-C-T.
Other names: c.5006G>A, p.Gly1669Glu (NM_001413184.1, NM_001413187.1, NM_001413194.1); c.4988G>A, p.Gly1663Glu (NM_001413185.1, NM_001413186.1, NM_001413189.1); c.4406G>A, p.Gly1469Glu (NM_001413188.1, NM_001413197.1); c.5000G>A, p.Gly1667Glu (NM_001413190.1); c.4910G>A, p.Gly1637Glu (NM_001413191.1); c.4892G>A, p.Gly1631Glu (NM_001413192.1); c.4388G>A, p.Gly1463Glu (NM_001413193.1); c.3581G>A, p.Gly1194Glu (NM_001413196.1); short protein forms G1194E, G1463E, G1469E, G1631E, G1637E, G1663E, G1667E, G1669E.
Identifiers: ClinVar variation 3364966 (VCV003364966.1).
Genomic context (GRCh38, chr8:67,203,205, plus strand): 5'-GACTCTAATAAGCAGTCCAGTAGCTTAAAAAGTTGTTGTGATGTTAAAAAGCGGTACATT[C>T]CTTGGTCTTGAGTATCAACGCGAACATCAAAGTCCACCGCATCTCTCTTTGGAAAACAAA-3'
Protein context (NP_006412.2, residues 1659-1679): FDVRVDTQDQ[Gly1669Glu]MYRFLTSQQL

ClinVar aggregate classification (germline): Uncertain significance (1 of 4 stars; one submission).

Submission:

GeneDx
Classification: Uncertain significance. Last evaluated: 2023-12-02. Review status: criteria provided, single submitter. Criteria: GeneDx Variant Classification Process June 2021. Collection method: clinical testing. Allele origin: germline. Affected: yes.
Comment: Not observed at significant frequency in large population cohorts (gnomAD); In silico analysis supports that this missense variant has a deleterious effect on protein structure/function; Has not been previously published as pathogenic or benign to our knowledge